The following is an entry in ClinVar:

ClinVar aggregate classification (germline): Uncertain significance (1 of 4 stars; one submission).

Conditions:
Charcot-Marie-Tooth disease, type I (CMT1). Also called: Charcot-Marie-Tooth disease type 1; Charcot-Marie-Tooth, Type 1. Identifiers: Orphanet 65753, MedGen C0751036, MONDO:0019011.

Submission:

Labcorp Genetics (formerly Invitae), Labcorp
Classification: Uncertain significance for Charcot-Marie-Tooth disease, type I. Last evaluated: 2023-09-30. Review status: criteria provided, single submitter. Criteria: Invitae Variant Classification Sherloc (09022015). Collection method: clinical testing. Allele origin: germline.
Comment: In summary, the available evidence is currently insufficient to determine the role of this variant in disease. Therefore, it has been classified as a Variant of Uncertain Significance. Experimental studies and prediction algorithms are not available or were not evaluated, and the functional significance of this variant is currently unknown. This variant has not been reported in the literature in individuals affected with EGR2-related conditions. This variant is not present in population databases (gnomAD no frequency). This variant, c.906_911del, results in the deletion of 2 amino acid(s) of the EGR2 protein (p.Ala308_Ala309del), but otherwise preserves the integrity of the reading frame.

NM_000399.5(EGR2):c.897AGC[3] (p.Ala308_Ala309del)

Gene: EGR2 (early growth response 2; minus strand). Cytogenetic location: 10q21.3.
Variant type: Microsatellite.
Coding change: c.897AGC[3] on transcript NM_000399.5 (MANE Select); three copies in a row of the 3-base unit AGC starting at c.897; the reference has five copies in a row; two copies, 6 bases deleted.
Protein change: p.Ala308_Ala309del.
Molecular consequence: inframe deletion.
Genome position (GRCh38, 1-based): chr10:62,813,727-62,813,732, GCTGCT deleted on the plus strand (AGCAGC on the coding strand, the reverse complement: EGR2 is on the minus strand); deleting any 6 consecutive bases within chr10:62,813,727-62,813,742 gives the same sequence; the position shown is the placement nearest the transcript's 3' end. VCF-style (leftmost placement, unchanged base first): chr10-62813726-GGCTGCT-G. GRCh37 (hg19) VCF-style: chr10-64573486-GGCTGCT-G.
Other names: c.897AGC[3], p.Ala308_Ala309del (NM_001136177.3, NM_001136178.2); c.747AGC[3], p.Ala258_Ala259del (NM_001136179.3, NM_001321037.2); c.936AGC[3], p.Ala321_Ala322del (NM_001410931.1).
Identifiers: ClinVar variation 3000402 (VCV003000402.3), dbSNP rs746688326, ClinGen allele CA2609319356.